The following is an entry in ClinVar:

NM_005732.4(RAD50):c.3068C>T (p.Thr1023Ile)

Gene: RAD50 (RAD50 double strand break repair protein; plus strand). Cytogenetic location: 5q31.1.
Variant type: single nucleotide variant.
Coding change: c.3068C>T on transcript NM_005732.4 (MANE Select); coding-DNA position 3068, C replaced by T.
Protein change: p.Thr1023Ile; replaces threonine 1023 with isoleucine.
Molecular consequence: missense variant.
Genome position (GRCh38, 1-based): chr5:132,616,034, C>T. VCF-style: chr5-132616034-C-T. GRCh37 (hg19) VCF-style: chr5-131951726-C-T.
Other names: short protein forms T1023I.
Identifiers: ClinVar variation 1460884 (VCV001460884.7), dbSNP rs755608245, ClinGen allele CA3405514.
Genomic context (GRCh38, chr5:132,616,034, plus strand): 5'-TTGTTAACTAATTTAATGTTTACCTTTAGATACAAGAAAGGTGGCTACAAGATAACCTTA[C>T]TTTAAGAAAAAGAAATGAGGAACTAAAAGAAGTTGAAGAAGAAAGAAAACAACATTTGAA-3'
Protein context (NP_005723.2, residues 1013-1033): IQERWLQDNL[Thr1023Ile]LRKRNEELKE

ClinVar aggregate classification (germline): Uncertain significance. Review status: criteria provided, multiple submitters, no conflicts (2 of 4 stars). 2 submissions from 2 submitters: Uncertain significance (2). Last evaluated 2022-01-30.

Conditions:
Nijmegen breakage syndrome-like disorder (NBSLD). Also called: MICROCEPHALY AND SPONTANEOUS CHROMOSOME INSTABILITY WITHOUT IMMUNODEFICIENCY; NBS-LIKE DISORDER; RAD50 DEFICIENCY. Identifiers: Orphanet 240760, MedGen C2751318, MONDO:0013118, OMIM 613078.
Hereditary cancer-predisposing syndrome. Also called: Tumor predisposition; Hereditary neoplastic syndrome; Hereditary Cancer Syndrome; Neoplastic Syndromes, Hereditary. Identifiers: Orphanet 140162, MedGen C0027672, MeSH D009386, MONDO:0015356.

Allele frequency attached by ClinVar (database versions not stated): gnomAD exomes below 0.00001; ExAC 0.00001; gnomAD 0.00001; TOPMed 0.00002.
gnomAD v4.1: 3 of 1,599,064 alleles (0.00019%); highest among the groups gnomAD compares: African/African-American, 0.0027%; no homozygotes.

Submissions (2):

Sema4
Classification: Uncertain significance for Nijmegen breakage syndrome-like disorder. Last evaluated: 2022-01-30. Review status: criteria provided, single submitter. Criteria: Sema4 Curation Guidelines. Collection method: curation. Allele origin: germline.
Comment: To the best of our knowledge, the RAD50 c.3068C>T (p.T1023I) variant has not been reported in individuals with RAD50-related disease. This variant was observed in 1/251030 chromosomes across the different populations included in the Genome Aggregation Database (PMID: 32461654) but has not been reported in ClinVar. A functional study did not find evidence for an effect of this variant on cellular growth (PMID 33606978), and in silico predictions of the variant's effect on protein function are inconclusive. Based on the current evidence available, this variant is interpreted as a variant of uncertain significance.

Labcorp Genetics (formerly Invitae), Labcorp
Classification: Uncertain significance for Hereditary cancer-predisposing syndrome. Last evaluated: 2021-10-04. Review status: criteria provided, single submitter. Criteria: Invitae Variant Classification Sherloc (09022015). Collection method: clinical testing. Allele origin: germline.
Comment: This sequence change replaces threonine with isoleucine at codon 1023 of the RAD50 protein (p.Thr1023Ile). The threonine residue is moderately conserved and there is a moderate physicochemical difference between threonine and isoleucine. This variant is present in population databases (rs755608245, ExAC 0.01%). This variant has not been reported in the literature in individuals affected with RAD50-related conditions. Algorithms developed to predict the effect of missense changes on protein structure and function are either unavailable or do not agree on the potential impact of this missense change (SIFT: "Tolerated"; PolyPhen-2: "Possibly Damaging"; Align-GVGD: "Class C0"). In summary, the available evidence is currently insufficient to determine the role of this variant in disease. Therefore, it has been classified as a Variant of Uncertain Significance.

Literature cited by the submitters: PubMed 33606978 (cited by Sema4).